The following is an entry in ClinVar:

NM_004336.5(BUB1):c.551G>A (p.Cys184Tyr)

Gene: BUB1 (BUB1 mitotic checkpoint serine/threonine kinase; minus strand). Cytogenetic location: 2q13.
Variant type: single nucleotide variant.
Coding change: c.551G>A on transcript NM_004336.5 (MANE Select); coding-DNA position 551, G replaced by A.
Protein change: p.Cys184Tyr; replaces cysteine 184 with tyrosine.
Molecular consequence: missense variant.
Genome position (GRCh38, 1-based): chr2:110,669,469, C>T on the plus strand (G>A on the coding strand, the complement: BUB1 is on the minus strand). VCF-style: chr2-110669469-C-T. GRCh37 (hg19) VCF-style: chr2-111427046-C-T.
Other names: c.491G>A, p.Cys164Tyr (NM_001278616.2); c.551G>A, p.Cys184Tyr (NM_001278617.2); short protein forms C184Y, C164Y.
Identifiers: ClinVar variation 1748077 (VCV001748077.2), dbSNP rs1283924517, ClinGen allele CA348219101.

ClinVar aggregate classification (germline): Uncertain significance (1 of 4 stars; one submission).

Allele frequency attached by ClinVar (database versions not stated): TOPMed below 0.00001.
gnomAD v4.1: 4 of 1,594,382 alleles (0.00025%); highest among the groups gnomAD compares: African/African-American, 0.0013%; no homozygotes.

Submission:

Ambry Genetics
Classification: Uncertain significance. Last evaluated: 2022-04-30. Review status: criteria provided, single submitter. Criteria: Ambry Variant Classification Scheme 2023. Collection method: clinical testing. Allele origin: germline.
Comment: The p.C184Y variant (also known as c.551G>A), located in coding exon 6 of the BUB1 gene, results from a G to A substitution at nucleotide position 551. The cysteine at codon 184 is replaced by tyrosine, an amino acid with highly dissimilar properties. This amino acid position is conserved. In addition, this alteration is predicted to be tolerated by in silico analysis. Since supporting evidence is limited at this time, the clinical significance of this alteration remains unclear.